The following is an entry in ClinVar:

NM_003001.5(SDHC):c.358C>T (p.Leu120Phe)

Gene: SDHC (succinate dehydrogenase complex subunit C; plus strand). Cytogenetic location: 1q23.3.
Variant type: single nucleotide variant.
Coding change: c.358C>T on transcript NM_003001.5 (MANE Select); coding-DNA position 358, C replaced by T.
Protein change: p.Leu120Phe; replaces leucine 120 with phenylalanine.
Molecular consequence: missense variant. On other transcripts: non-coding transcript variant (1), intron variant (3).
Genome position (GRCh38, 1-based): chr1:161,356,793, C>T. VCF-style: chr1-161356793-C-T. GRCh37 (hg19) VCF-style: chr1-161326583-C-T.
Other names: c.256C>T, p.Leu86Phe (NM_001035512.3); c.199C>T, p.Leu67Phe (NM_001035513.3); c.478C>T, p.Leu160Phe (NM_001407115.1); c.301C>T, p.Leu101Phe (NM_001407116.1); c.295C>T, p.Leu99Phe (NM_001407117.1); c.250C>T, p.Leu84Phe (NM_001407118.1); c.247C>T, p.Leu83Phe (NM_001407119.1, NM_001407120.1); c.242-5536C>T (NM_001035511.3); and 2 more; short protein forms L120F, L67F, L86F, L101F, L84F, L99F, L160F, L83F.
Identifiers: ClinVar variation 534377 (VCV000534377.13), dbSNP rs1161002093, ClinGen allele CA343456612.

ClinVar aggregate classification (germline): Uncertain significance. Review status: criteria provided, multiple submitters, no conflicts (2 of 4 stars). 4 submissions from 4 submitters: Uncertain significance (4). Last evaluated 2025-07-30.

Conditions:
Gastrointestinal stromal tumor. Also called: Gastrointestinal stromal tumor, somatic; Gastrointestinal stroma tumor. Identifiers: Orphanet 44890, MedGen C0238198, MeSH D046152, MONDO:0011719, OMIM 606764, HP:0100723.
Hereditary cancer-predisposing syndrome. Also called: Hereditary neoplastic syndrome; Neoplastic Syndromes, Hereditary; Hereditary Cancer Syndrome; Tumor predisposition. Identifiers: Orphanet 140162, MedGen C0027672, MeSH D009386, MONDO:0015356.
Pheochromocytoma/paraganglioma syndrome 3. Also called: GLOMUS TUMORS, FAMILIAL, 3; SDHC-Related Hereditary Paraganglioma-Pheochromocytoma Syndrome; Paragangliomas 3; SDHC-Related Hereditary Paraganglioma-Pheochromocytoma Syndrome (Paragangliomas 3). Identifiers: Orphanet 29072, MedGen C1854336, MONDO:0011544, OMIM 605373.

Allele frequency attached by ClinVar (database versions not stated): gnomAD 0.00001.
gnomAD v4.1: 1 of 1,614,050 alleles (0.000062%); highest among the groups gnomAD compares: African/African-American, 0.0013%; no homozygotes.

Submissions (4):

Labcorp Genetics (formerly Invitae), Labcorp
Classification: Uncertain significance for Pheochromocytoma/paraganglioma syndrome 3; Gastrointestinal stromal tumor. Last evaluated: 2025-07-30. Review status: criteria provided, single submitter. Criteria: Invitae Variant Classification Sherloc (09022015). Collection method: clinical testing. Allele origin: germline.
Comment: This sequence change replaces leucine, which is neutral and non-polar, with phenylalanine, which is neutral and non-polar, at codon 120 of the SDHC protein (p.Leu120Phe). This variant is present in population databases (no rsID available, gnomAD 0.01%). This variant has not been reported in the literature in individuals affected with SDHC-related conditions. ClinVar contains an entry for this variant (Variation ID: 534377). An algorithm developed to predict the effect of missense changes on protein structure and function (PolyPhen-2) suggests that this variant is likely to be tolerated. In summary, the available evidence is currently insufficient to determine the role of this variant in disease. Therefore, it has been classified as a Variant of Uncertain Significance.

Ambry Genetics
Classification: Uncertain significance for Hereditary cancer-predisposing syndrome. Last evaluated: 2024-08-17. Review status: criteria provided, single submitter. Criteria: Ambry Variant Classification Scheme 2023. Collection method: clinical testing. Allele origin: germline.
Comment: The p.L120F variant (also known as c.358C>T), located in coding exon 5 of the SDHC gene, results from a C to T substitution at nucleotide position 358. The leucine at codon 120 is replaced by phenylalanine, an amino acid with highly similar properties. This amino acid position is highly conserved in available vertebrate species. In addition, the in silico prediction for this alteration is inconclusive. Since supporting evidence is limited at this time, the clinical significance of this alteration remains unclear.

Baylor Genetics
Classification: Uncertain significance for Gastrointestinal stromal tumor. Last evaluated: 2024-02-25. Review status: criteria provided, single submitter. Criteria: ACMG Guidelines, 2015. Collection method: clinical testing. Allele origin: unknown.

Sema4
Classification: Uncertain significance for Hereditary cancer-predisposing syndrome. Last evaluated: 2022-01-24. Review status: criteria provided, single submitter. Criteria: Sema4 Curation Guidelines. Collection method: curation. Allele origin: germline.
Comment: The SDHC c.358C>T (p.L120F) variant has not been reported in the literature to our knowledge. It was observed in 1/8710 chromosomes of the African/African American subpopulation in the large and broad cohorts of the Genome Aggregation Database (PMID: 32461654), however quality metrics indicate poor data quality and thus this data is not reliable. The variant has been reported in ClinVar (Variation ID 534377). Functional studies have not been performed, and in silico predictions of the variant's effect on protein function are inconclusive. The evidence is insufficient to meet ACMG/AMP criteria for classifying the variant as benign or pathogenic. Thus, the clinical significance of this variant is currently uncertain.